The following is an entry in ClinVar:

ClinVar aggregate classification (germline): Uncertain significance (1 of 4 stars; one submission).

Conditions:
Cardiovascular phenotype. Identifiers: MedGen CN230736.

Submission:

Ambry Genetics
Classification: Uncertain significance for Cardiovascular phenotype. Last evaluated: 2022-10-21. Review status: criteria provided, single submitter. Criteria: Ambry Variant Classification Scheme 2023. Collection method: clinical testing. Allele origin: germline.
Comment: The c.438_439delCGinsTA variant (also known as p.E147K), located in coding exon 3 of the SCN3B gene, results from an in-frame deletion of CG and insertion of TA at nucleotide positions 438 to 439. This results in the substitution of the glutamic acid residue for a lysine residue at codon 147, an amino acid with similar properties. This amino acid position is well conserved in available vertebrate species. In addition, this alteration is predicted to be neutral by in silico analysis (Choi Y et al. PLoS ONE. 2012; 7(10):e46688). The evidence for this gene-disease relationship is limited; therefore, the clinical significance of this alteration is unclear.

NM_001040151.2(SCN3B):c.438_439delinsTA (p.Glu147Lys)

Gene: SCN3B (sodium voltage-gated channel beta subunit 3; minus strand). Cytogenetic location: 11q24.1.
Variant type: Indel.
Coding change: c.438_439delinsTA on transcript NM_001040151.2 (MANE Select); coding-DNA positions 438 to 439, CG replaced by TA.
Protein change: p.Glu147Lys; replaces glutamic acid 147 with lysine.
Molecular consequence: missense variant.
Genome position (GRCh38, 1-based): chr11:123,642,452-123,642,453, CG replaced by TA on the plus strand (CG replaced by TA on the coding strand, the reverse complement: SCN3B is on the minus strand). VCF-style: chr11-123642452-CG-TA. GRCh37 (hg19) VCF-style: chr11-123513160-CG-TA.
Other names: c.438_439delinsTA, p.Glu147Lys (NM_018400.4); short protein forms E147K.
Identifiers: ClinVar variation 1740156 (VCV001740156.2), dbSNP rs2497572256, ClinGen allele CA2580083726.